The following is an entry in ClinVar:

ClinVar aggregate classification (germline): Uncertain significance (1 of 4 stars; one submission).

Conditions:
Neuroblastoma, susceptibility to, 3. Also called: ALK-Related Neuroblastic Tumor Susceptibility. Identifiers: Orphanet 635, MedGen C2751681, MONDO:0013083, OMIM 613014.

Submission:

Labcorp Genetics (formerly Invitae), Labcorp
Classification: Uncertain significance for Neuroblastoma, susceptibility to, 3. Last evaluated: 2020-01-25. Review status: criteria provided, single submitter. Criteria: Invitae Variant Classification Sherloc (09022015). Collection method: clinical testing. Allele origin: germline.
Comment: In summary, the available evidence is currently insufficient to determine the role of this variant in disease. Therefore, it has been classified as a Variant of Uncertain Significance. Algorithms developed to predict the effect of missense changes on protein structure and function are either unavailable or do not agree on the potential impact of this missense change (SIFT: "Deleterious"; PolyPhen-2: "Possibly Damaging"; Align-GVGD: "Class C0"). This variant has not been reported in the literature in individuals with ALK-related conditions. This variant is not present in population databases (ExAC no frequency). This sequence change replaces serine with proline at codon 289 of the ALK protein (p.Ser289Pro). The serine residue is moderately conserved and there is a moderate physicochemical difference between serine and proline.

NM_004304.5(ALK):c.865T>C (p.Ser289Pro)

Gene: ALK (ALK receptor tyrosine kinase; minus strand). Cytogenetic location: 2p23.2.
Variant type: single nucleotide variant.
Coding change: c.865T>C on transcript NM_004304.5 (MANE Select); coding-DNA position 865, T replaced by C.
Protein change: p.Ser289Pro; replaces serine 289 with proline.
Molecular consequence: missense variant.
Genome position (GRCh38, 1-based): chr2:29,694,937, A>G on the plus strand (T>C on the coding strand, the complement: ALK is on the minus strand). VCF-style: chr2-29694937-A-G. GRCh37 (hg19) VCF-style: chr2-29917803-A-G.
Other names: short protein forms S289P.
Identifiers: ClinVar variation 1042330 (VCV001042330.9), dbSNP rs1678509684, ClinGen allele CA346586976.